The following is an entry in ClinVar:

NM_001127464.1:c.8042C>G

Gene: ZNF469 (zinc finger protein 469; plus strand).
Variant type: single nucleotide variant.
Identifiers: ClinVar variation 4826329 (VCV004826329.1).

ClinVar aggregate classification (germline): Uncertain significance (1 of 4 stars; one submission).

Conditions:
Cardiovascular phenotype. Identifiers: MedGen CN230736.

Submission:

Ambry Genetics
Classification: Uncertain significance for Cardiovascular phenotype. Last evaluated: 2026-03-11. Review status: criteria provided, single submitter. Criteria: Ambry Variant Classification Scheme 2023. Collection method: clinical testing. Allele origin: germline.
Comment: The p.T2681S variant (also known as c.8042C>G), located in coding exon 2 of the ZNF469 gene, results from a C to G substitution at nucleotide position 8042. The threonine at codon 2681 is replaced by serine, an amino acid with similar properties. This amino acid position is conserved. In addition, this alteration is predicted to be tolerated by in silico analysis. Based on the available evidence, the clinical significance of this variant remains unclear.